The following is an entry in ClinVar:

NM_006516.4(SLC2A1):c.899A>C (p.Lys300Thr)

Gene: SLC2A1 (solute carrier family 2 member 1; minus strand). Cytogenetic location: 1p34.2.
Variant type: single nucleotide variant.
Coding change: c.899A>C on transcript NM_006516.4 (MANE Select); coding-DNA position 899, A replaced by C.
Protein change: p.Lys300Thr; replaces lysine 300 with threonine.
Molecular consequence: missense variant.
Genome position (GRCh38, 1-based): chr1:42,929,283, T>G on the plus strand (A>C on the coding strand, the complement: SLC2A1 is on the minus strand). VCF-style: chr1-42929283-T-G. GRCh37 (hg19) VCF-style: chr1-43394954-T-G.
Other names: c.899A>C (NM_006516.2); short protein forms K300T.
Identifiers: ClinVar variation 1389085 (VCV001389085.7), dbSNP rs764743728, ClinGen allele CA803406.
Genomic context (GRCh38, chr1:42,929,283, plus strand): 5'-AAGGCCGTGTTGACGATACCGGAGCCAATGGTGGCATACACAGGCTGCTGCACCCCCGCC[T>G]TCTCGAAGATGCTCGTGGAGTAATAGAAGACCTGCCAGACAAGAGAAACTGTTGGGGCCT-3'
Protein context (NP_006507.2, residues 290-310): VFYYSTSIFE[Lys300Thr]AGVQQPVYAT

ClinVar aggregate classification (germline): Uncertain significance. Review status: criteria provided, multiple submitters, no conflicts (2 of 4 stars). 2 submissions from 2 submitters: Uncertain significance (2). Last evaluated 2026-06-10.

Conditions:
Inborn genetic diseases. Identifiers: MedGen C0950123, MeSH D030342.
GLUT1 deficiency syndrome 1, autosomal recessive. Identifiers: MedGen C3149117.

Allele frequency attached by ClinVar (database versions not stated): TOPMed below 0.00001; ExAC 0.00001; gnomAD exomes below 0.00001; gnomAD 0.00001.
gnomAD v4.1: 2 of 1,613,546 alleles (0.00012%); highest among the groups gnomAD compares: Non-Finnish European, 0.00017%; no homozygotes.

Submissions (2):

Ambry Genetics
Classification: Uncertain significance for Inborn genetic diseases. Last evaluated: 2026-06-10. Review status: criteria provided, single submitter. Criteria: Ambry Variant Classification Scheme 2023. Collection method: clinical testing. Allele origin: germline.
Comment: The c.899A>C (p.K300T) alteration is located in exon 7 (coding exon 7) of the SLC2A1 gene. This alteration results from a A to C substitution at nucleotide position 899, causing the lysine (K) at amino acid position 300 to be replaced by a threonine (T). Based on data from gnomAD, the C allele has an overall frequency of <0.001% (1/250090) total alleles studied. The highest observed frequency was 0.001% (1/113026) of European (non-Finnish) alleles. Based on insufficient or conflicting evidence, the clinical significance of this alteration remains unclear.

Labcorp Genetics (formerly Invitae), Labcorp
Classification: Uncertain significance for GLUT1 deficiency syndrome 1, autosomal recessive. Last evaluated: 2024-10-30. Review status: criteria provided, single submitter. Criteria: Invitae Variant Classification Sherloc (09022015). Collection method: clinical testing. Allele origin: germline.
Comment: This sequence change replaces lysine, which is basic and polar, with threonine, which is neutral and polar, at codon 300 of the SLC2A1 protein (p.Lys300Thr). This variant is present in population databases (rs764743728, gnomAD 0.0009%). This variant has not been reported in the literature in individuals affected with SLC2A1-related conditions. ClinVar contains an entry for this variant (Variation ID: 1389085). Invitae Evidence Modeling of protein sequence and biophysical properties (such as structural, functional, and spatial information, amino acid conservation, physicochemical variation, residue mobility, and thermodynamic stability) indicates that this missense variant is not expected to disrupt SLC2A1 protein function with a negative predictive value of 95%. In summary, the available evidence is currently insufficient to determine the role of this variant in disease. Therefore, it has been classified as a Variant of Uncertain Significance.